The following is an entry in ClinVar:

NM_000094.4(COL7A1):c.4843A>T (p.Lys1615Ter)

Gene: COL7A1 (collagen type VII alpha 1 chain; minus strand). Cytogenetic location: 3p21.31.
Variant type: single nucleotide variant.
Coding change: c.4843A>T on transcript NM_000094.4 (MANE Select); coding-DNA position 4843, A replaced by T.
Protein change: p.Lys1615Ter; replaces lysine 1615 with a stop codon.
Molecular consequence: nonsense.
Genome position (GRCh38, 1-based): chr3:48,581,316, T>A on the plus strand (A>T on the coding strand, the complement: COL7A1 is on the minus strand). VCF-style: chr3-48581316-T-A. GRCh37 (hg19) VCF-style: chr3-48618749-T-A.
Other names: short protein forms K1615*.
Identifiers: ClinVar variation 5013205 (VCV005013205.1).

ClinVar aggregate classification (germline): Pathogenic (1 of 4 stars; one submission).

Conditions:
Recessive dystrophic epidermolysis bullosa (RDEB). Also called: DYSTROPHIC EPIDERMOLYSIS BULLOSA, AUTOSOMAL RECESSIVE; EPIDERMOLYSIS BULLOSA DYSTROPHICA, HALLOPEAU-SIEMENS TYPE; Hallopeau-Siemens Disease; severe generalized recessive dystrophic epidermolysis bullosa; EPIDERMOLYSIS BULLOSA DYSTROPHICA, GENERALIZED SEVERE, AUTOSOMAL RECESSIVE; Epidermolysis Bullosa Distrophica Autosomal Recessive (RDEB). Identifiers: Orphanet 79408, Orphanet 79409, MedGen C0079474, MONDO:0009179, OMIM 226600.

Submission:

Myriad Genetics, Inc.
Classification: Pathogenic for Recessive dystrophic epidermolysis bullosa. Last evaluated: 2024-06-19. Review status: criteria provided, single submitter. Criteria: Myriad Autosomal Dominant, Autosomal Recessive and X-Linked Classification Criteria (2023). Collection method: clinical testing. Allele origin: unknown.
Comment: NM_000094.3(COL7A1):c.4843A>T(K1615*) is expected to be pathogenic in the context of dystrophic epidermolysis bullosa. This variant is predicted to lead to an abnormal or absent protein product due to the creation of a premature termination codon in COL7A1, a gene where loss-of-function variants are known to be pathogenic. Please note: this variant was assessed in the context of healthy population screening.